The following is an entry in ClinVar:

NM_000875.5(IGF1R):c.3526G>A (p.Val1176Met)

Gene: IGF1R (insulin like growth factor 1 receptor; plus strand). Cytogenetic location: 15q26.3.
Variant type: single nucleotide variant.
Coding change: c.3526G>A on transcript NM_000875.5 (MANE Select); coding-DNA position 3526, G replaced by A.
Protein change: p.Val1176Met; replaces valine 1176 with methionine.
Molecular consequence: missense variant.
Genome position (GRCh38, 1-based): chr15:98,942,991, G>A. VCF-style: chr15-98942991-G-A. GRCh37 (hg19) VCF-style: chr15-99486220-G-A.
Other names: c.3523G>A, p.Val1175Met (NM_001291858.2); short protein forms V1175M, V1176M.
Identifiers: ClinVar variation 521777 (VCV000521777.5), dbSNP rs1238271705, ClinGen allele CA393661572.

ClinVar aggregate classification (germline): Uncertain significance. Review status: criteria provided, multiple submitters, no conflicts (2 of 4 stars). 2 submissions from 2 submitters: Uncertain significance (2). Last evaluated 2023-06-27.

Conditions:
Inborn genetic diseases. Identifiers: MedGen C0950123, MeSH D030342.

Allele frequency attached by ClinVar (database versions not stated): gnomAD exomes below 0.00001.
gnomAD v4.1: 5 of 1,614,108 alleles (0.00031%); highest among the groups gnomAD compares: African/African-American, 0.004%; no homozygotes.

Submissions (2):

GeneDx
Classification: Uncertain significance. Last evaluated: 2023-06-27. Review status: criteria provided, single submitter. Criteria: GeneDx Variant Classification Process June 2021. Collection method: clinical testing. Allele origin: germline. Affected: yes.
Comment: Identified as a de novo variant with confirmed parentage in an individual with aortic atresia, hypoplastic left heart syndrome and mitral atresia, however this individual also harbored loss of function variants in several other genes (Jin et al., 2017); Not observed at significant frequency in large population cohorts (gnomAD); In silico analysis supports that this missense variant has a deleterious effect on protein structure/function; This variant is associated with the following publications: (PMID: 32368696, 28991257)

Ambry Genetics
Classification: Uncertain significance for Inborn genetic diseases. Last evaluated: 2017-05-24. Review status: criteria provided, single submitter. Criteria: Ambry exome assertion method (8-5-2015). Collection method: clinical testing. Allele origin: germline. Affected: yes. Observed: 1 variant allele.